The following is an entry in ClinVar:

NM_138576.4(BCL11B):c.1387G>A (p.Ala463Thr)

Gene: BCL11B (BCL11 transcription factor B; minus strand). Cytogenetic location: 14q32.2.
Variant type: single nucleotide variant.
Coding change: c.1387G>A on transcript NM_138576.4 (MANE Select); coding-DNA position 1387, G replaced by A.
Protein change: p.Ala463Thr; replaces alanine 463 with threonine.
Molecular consequence: missense variant.
Genome position (GRCh38, 1-based): chr14:99,175,449, C>T on the plus strand (G>A on the coding strand, the complement: BCL11B is on the minus strand). VCF-style: chr14-99175449-C-T. GRCh37 (hg19) VCF-style: chr14-99641786-C-T.
Other names: c.1384G>A, p.Ala462Thr (NM_001282237.2); c.1171G>A, p.Ala391Thr (NM_001282238.2); c.1174G>A, p.Ala392Thr (NM_022898.3); short protein forms A391T, A392T, A462T, A463T.
Identifiers: ClinVar variation 1691589 (VCV001691589.3), dbSNP rs2139759037, ClinGen allele CA390935490.
Genomic context (GRCh38, chr14:99,175,449, plus strand): 5'-AGCCGGCCTTGTGCATGTGCGTCTTCATGTGGCGCTTGAGCTTGCTGGCCTGCGAGCACG[C>T]GTGGTCGCACAGCTGGCACTTGTAGGGCTTCTCGCCCGTGTGACTGCGCCGGTGCACGAT-3'
Protein context (NP_612808.1, residues 453-473): KPYKCQLCDH[Ala463Thr]CSQASKLKRH

ClinVar aggregate classification (germline): Uncertain significance (1 of 4 stars; one submission).

Allele frequency attached by ClinVar (database versions not stated): gnomAD exomes below 0.00001.
gnomAD v4.1: 1 of 1,611,288 alleles (0.000062%); highest among the groups gnomAD compares: Non-Finnish European, 0.000085%; no homozygotes.

Submission:

GeneDx
Classification: Uncertain significance. Last evaluated: 2021-12-09. Review status: criteria provided, single submitter. Criteria: GeneDx Variant Classification Process June 2021. Collection method: clinical testing. Allele origin: germline. Affected: yes.
Comment: Not observed at significant frequency in large population cohorts (gnomAD); In silico analysis supports that this missense variant has a deleterious effect on protein structure/function; Has not been previously published as pathogenic or benign to our knowledge